The following is an entry in ClinVar:

NM_000222.3(KIT):c.67+9C>A

Gene: KIT (KIT proto-oncogene, receptor tyrosine kinase; plus strand). Cytogenetic location: 4q12.
Variant type: single nucleotide variant.
Coding change: c.67+9C>A on transcript NM_000222.3 (MANE Select); 9 bases into the intron after coding-DNA position 67, C replaced by A.
Molecular consequence: intron variant.
Genome position (GRCh38, 1-based): chr4:54,658,090, C>A. VCF-style: chr4-54658090-C-A. GRCh37 (hg19) VCF-style: chr4-55524257-C-A.
Other names: c.67+9C>A (NM_001385284.1, NM_001385290.1, NM_001385288.1 and 4 more transcripts).
Identifiers: ClinVar variation 756263 (VCV000756263.11), dbSNP rs377340910, ClinGen allele CA551370361.
Genomic context (GRCh38, chr4:54,658,090, plus strand): 5'-GGCGCCTGGGATTTTCTCTGCGTTCTGCTCCTACTGCTTCGCGTCCAGACAGGTGGGACA[C>A]CGCGGCTGGCACCCCGACCGTGCGACTACTCGGCGAAGCCTGTGCCTGGGAGGGTGGTAC-3'

ClinVar aggregate classification (germline): Likely benign. Review status: criteria provided, multiple submitters, no conflicts (2 of 4 stars). 2 submissions from 2 submitters: Likely benign (2). Last evaluated 2026-05-26.

Conditions:
Gastrointestinal stromal tumor. Also called: Gastrointestinal stromal tumor, somatic; Gastrointestinal stroma tumor. Identifiers: Orphanet 44890, MedGen C0238198, MeSH D046152, MONDO:0011719, OMIM 606764, HP:0100723.

gnomAD v4.1: 4 of 1,613,488 alleles (0.00025%); highest among the groups gnomAD compares: Non-Finnish European, 0.00025%; no homozygotes.

Submissions (2):

Myriad Genetics, Inc.
Classification: Likely benign for Gastrointestinal stromal tumor. Last evaluated: 2026-05-26. Review status: criteria provided, single submitter. Criteria: Myriad Autosomal Dominant, Autosomal Recessive and X-Linked Classification Criteria (2023). Collection method: clinical testing. Allele origin: unknown.
Comment: This variant is considered likely benign. This variant is intronic and is not expected to impact mRNA splicing.

Labcorp Genetics (formerly Invitae), Labcorp
Classification: Likely benign for Gastrointestinal stromal tumor. Last evaluated: 2024-12-17. Review status: criteria provided, single submitter. Criteria: Invitae Variant Classification Sherloc (09022015). Collection method: clinical testing. Allele origin: germline.